The following is an entry in ClinVar:

ClinVar aggregate classification (germline): Benign. Review status: criteria provided, multiple submitters, no conflicts (2 of 4 stars). 3 submissions from 3 submitters: Benign (2). 1 of the submissions does not count toward it. Last evaluated 2018-12-14.

Conditions:
CNTN5-related disorder. Also called: CNTN5-related condition.

Allele frequency attached by ClinVar (database versions not stated): ESP Exome Variant Server 0.00008; gnomAD 0.00009 and 0.00036; TOPMed 0.00022; gnomAD exomes 0.00087 and 0.00192; 1000 Genomes Project 30x 0.00203; 1000 Genomes Project 0.00240; ExAC 0.00254.
gnomAD v4.1: 1,349 of 1,607,464 alleles (0.084%); highest among the groups gnomAD compares: South Asian, 1.2%; 16 homozygotes.

Submissions (3):

Labcorp Genetics (formerly Invitae), Labcorp
Classification: Benign. Last evaluated: 2018-12-14. Review status: criteria provided, single submitter. Criteria: Invitae Variant Classification Sherloc (09022015). Collection method: clinical testing. Allele origin: germline.

Breakthrough Genomics
Classification: Benign. Review status: criteria provided, single submitter. Criteria: ACMG Guidelines, 2015. Collection method: not provided. Allele origin: germline. Inheritance: Unknown mechanism. Affected: yes.

PreventionGenetics, part of Exact Sciences
Classification: Benign for CNTN5-related condition. Last evaluated: 2022-04-06. Review status: no assertion criteria provided. Collection method: clinical testing. Allele origin: germline. Not counted in ClinVar's aggregate classification.
Comment: This variant is classified as benign based on ACMG/AMP sequence variant interpretation guidelines (Richards et al. 2015 PMID: 25741868, with internal and published modifications).

NM_014361.4(CNTN5):c.2415A>C (p.Glu805Asp)

Gene: CNTN5 (contactin 5; plus strand). Cytogenetic location: 11q22.1.
Variant type: single nucleotide variant.
Coding change: c.2415A>C on transcript NM_014361.4 (MANE Select); coding-DNA position 2415, A replaced by C.
Protein change: p.Glu805Asp; replaces glutamic acid 805 with aspartic acid.
Molecular consequence: missense variant.
Genome position (GRCh38, 1-based): chr11:100,299,191, A>C. VCF-style: chr11-100299191-A-C. GRCh37 (hg19) VCF-style: chr11-100169923-A-C.
Other names: c.2415A>C, p.Glu805Asp (NM_001243270.2, NM_001243271.2); c.2193A>C, p.Glu731Asp (NM_175566.2); short protein forms E805D, E731D.
Identifiers: ClinVar variation 769805 (VCV000769805.6), dbSNP rs200512456, ClinGen allele CA6242735.